The following is an entry in ClinVar:

ClinVar aggregate classification (germline): Pathogenic. Review status: criteria provided, multiple submitters, no conflicts (2 of 4 stars). 3 submissions from 3 submitters: Pathogenic (2). 1 of the submissions does not count toward it. Last evaluated 2022-01-01.

Conditions:
Heterotaxy, visceral, 1, X-linked (HTX1). Also called: SITUS INVERSUS, COMPLEX CARDIAC DEFECTS, AND SPLENIC DEFECTS, X-LINKED; DEXTROCARDIA WITH OTHER CARDIAC MALFORMATIONS; Laterality, X-linked; Visceral heterotaxia. Identifiers: Orphanet 450, MedGen C1844020, MONDO:0010607, OMIM 306955.

Submissions (3):

Provincial Medical Genetics Program of British Columbia, University of British Columbia
Classification: Pathogenic for Heterotaxy, visceral, 1, X-linked. Last evaluated: 2022-01-01. Review status: criteria provided, single submitter. Criteria: ACMG Guidelines, 2015. Collection method: clinical testing. Allele origin: germline. Affected: yes.

Labcorp Genetics (formerly Invitae), Labcorp
Classification: Pathogenic for Heterotaxy, visceral, 1, X-linked. Last evaluated: 2019-10-08. Review status: criteria provided, single submitter. Criteria: Invitae Variant Classification Sherloc (09022015). Collection method: clinical testing. Allele origin: germline.
Comment: This variant is not present in population databases (ExAC no frequency). This variant has been observed to segregate with heterotaxy in a family (PMID: 9354794). This variant is also known as c.1502C>T in the literature. ClinVar contains an entry for this variant (Variation ID: 11433). This variant has been reported to affect ZIC3 protein function (PMID:14681828, 23872418, 17764085). For these reasons, this variant has been classified as Pathogenic. This sequence change replaces threonine with methionine at codon 323 of the ZIC3 protein (p.Thr323Met). The threonine residue is highly conserved and there is a moderate physicochemical difference between threonine and methionine.

OMIM
Classification: Pathogenic for HETEROTAXY, VISCERAL, 1, X-LINKED. Last evaluated: 1997-11-01. Review status: no assertion criteria provided. Collection method: literature only. Allele origin: germline. Not counted in ClinVar's aggregate classification.

Literature cited by the submitters: PubMed 9354794 (cited by Labcorp Genetics (formerly Invitae), Labcorp and OMIM); PubMed 14681828 (cited by Labcorp Genetics (formerly Invitae), Labcorp); PubMed 23872418 (cited by Labcorp Genetics (formerly Invitae), Labcorp); PubMed 17764085 (cited by Labcorp Genetics (formerly Invitae), Labcorp); PubMed 3674105 (cited by OMIM).

NM_003413.4(ZIC3):c.968C>T (p.Thr323Met)

Gene: ZIC3 (Zic family zinc finger 3; plus strand). Cytogenetic location: Xq26.3.
Variant type: single nucleotide variant.
Coding change: c.968C>T on transcript NM_003413.4 (MANE Select); coding-DNA position 968, C replaced by T.
Protein change: p.Thr323Met; replaces threonine 323 with methionine.
Molecular consequence: missense variant.
Genome position (GRCh38, 1-based): chrX:137,567,659, C>T. VCF-style: chrX-137567659-C-T. GRCh37 (hg19) VCF-style: chrX-136649818-C-T.
Other names: T325M; c.968C>T, p.Thr323Met (NM_001330661.1); short protein forms T323M.
Identifiers: ClinVar variation 11433 (VCV000011433.14), dbSNP rs122462165, ClinGen allele CA281602.